The following is an entry in ClinVar:

ClinVar aggregate classification (germline): Pathogenic (1 of 4 stars; one submission).

Conditions:
Neurofibromatosis, type 1 (NF1). Also called: VON RECKLINGHAUSEN DISEASE; Neurofibromatosis, type I; NEUROFIBROMATOSIS, TYPE I, SOMATIC; Peripheral type neurofibromatosis. Identifiers: Orphanet 636, MedGen C0027831, MONDO:0018975, OMIM 162200. Disease mechanism: loss of function.

Submission:

Labcorp Genetics (formerly Invitae), Labcorp
Classification: Pathogenic for Neurofibromatosis, type 1. Last evaluated: 2025-04-24. Review status: criteria provided, single submitter. Criteria: Invitae Variant Classification Sherloc (09022015). Collection method: clinical testing. Allele origin: germline.
Comment: This sequence change affects an acceptor splice site in intron 45 of the NF1 gene. It is expected to disrupt RNA splicing. Variants that disrupt the donor or acceptor splice site typically lead to a loss of protein function (PMID: 16199547), and loss-of-function variants in NF1 are known to be pathogenic (PMID: 10712197, 23913538). This variant is not present in population databases (gnomAD no frequency). Disruption of this splice site has been observed in individual(s) with clinical features of neurofibromatosis type 1 (PMID: 31776437; internal data). Algorithms developed to predict the effect of sequence changes on RNA splicing suggest that this variant may disrupt the consensus splice site. For these reasons, this variant has been classified as Pathogenic.

Literature cited by the submitters: PubMed 16199547; PubMed 10712197; PubMed 23913538; PubMed 31776437.

NM_001042492.3(NF1):c.6922-2A>C

Gene: NF1 (neurofibromin 1; plus strand). Cytogenetic location: 17q11.2.
Variant type: single nucleotide variant.
Coding change: c.6922-2A>C on transcript NM_001042492.3 (MANE Select); the canonical splice acceptor site of the intron before coding-DNA position 6922, A replaced by C.
Molecular consequence: splice acceptor variant.
Genome position (GRCh38, 1-based): chr17:31,340,503, A>C. VCF-style: chr17-31340503-A-C. GRCh37 (hg19) VCF-style: chr17-29667521-A-C.
Other names: c.6859-2A>C (NM_000267.4).
Identifiers: ClinVar variation 4763885 (VCV004763885.1).